The following is an entry in ClinVar:

ClinVar aggregate classification (germline): Conflicting classifications of pathogenicity. Review status: criteria provided, conflicting classifications (1 of 4 stars). 5 submissions from 5 submitters: Uncertain significance (2); Likely benign (3). Last evaluated 2026-07-07.

Allele frequency attached by ClinVar (database versions not stated): TOPMed 0.00051; gnomAD exomes 0.00060; ESP Exome Variant Server 0.00062; gnomAD 0.00063 and 0.00065; ExAC 0.00074.
gnomAD v4.1: 1,010 of 1,611,320 alleles (0.063%); highest among the groups gnomAD compares: Non-Finnish European, 0.074%; 1 homozygote.

Submissions (5):

GeneDx
Classification: Uncertain significance. Last evaluated: 2026-07-07. Review status: criteria provided, single submitter. Criteria: GeneDx Variant Classification Process June 2021. Collection method: clinical testing. Allele origin: germline.
Comment: In silico analysis supports that this missense variant has a deleterious effect on protein structure/function; Has not been previously published as pathogenic or benign in association with RMND1-related disorders to our knowledge; This variant is associated with the following publications: (PMID: 27400856)

Mayo Clinic Laboratories, Mayo Clinic
Classification: Likely benign. Last evaluated: 2025-08-12. Review status: criteria provided, single submitter. Criteria: ACMG Guidelines, 2015. Collection method: clinical testing. Allele origin: germline. Observed: 4 variant alleles.
Comment: BS1, BP4_moderate

Labcorp Genetics (formerly Invitae), Labcorp
Classification: Likely benign. Last evaluated: 2025-03-24. Review status: criteria provided, single submitter. Criteria: Invitae Variant Classification Sherloc (09022015). Collection method: clinical testing. Allele origin: germline.

Blueprint Genetics
Classification: Likely benign. Last evaluated: 2024-10-07. Review status: criteria provided, single submitter. Criteria: ACMG Guidelines, 2015. Collection method: clinical testing. Allele origin: germline.

Center for Pediatric Genomic Medicine, Children's Mercy Hospital and Clinics
Classification: Uncertain significance. Last evaluated: 2016-09-08. Review status: criteria provided, single submitter. Criteria: ACMG Guidelines, 2015. Collection method: clinical testing. Allele origin: germline.
ClinVar note: Converted during submission from Uncertain Significance to Uncertain significance.

NM_017909.4(RMND1):c.668C>T (p.Pro223Leu)

Gene: RMND1 (required for meiotic nuclear division 1 homolog; minus strand). Cytogenetic location: 6q25.1.
Variant type: single nucleotide variant.
Coding change: c.668C>T on transcript NM_017909.4 (MANE Select); coding-DNA position 668, C replaced by T.
Protein change: p.Pro223Leu; replaces proline 223 with leucine.
Molecular consequence: missense variant.
Genome position (GRCh38, 1-based): chr6:151,433,176, G>A on the plus strand (C>T on the coding strand, the complement: RMND1 is on the minus strand). VCF-style: chr6-151433176-G-A. GRCh37 (hg19) VCF-style: chr6-151754311-G-A.
Other names: p.Pro223Leu; c.668C>T (NM_017909.2); c.158C>T, p.Pro53Leu (NM_001271937.2); short protein forms P223L, P53L.
Identifiers: ClinVar variation 377025 (VCV000377025.18), dbSNP rs142521318, ClinGen allele CA4050960.
Genomic context (GRCh38, chr6:151,433,176, plus strand): 5'-AACCCATCATCACCTAATGGGGTTTCTTTCCTGTCTTACCTGAAGAAGAATATTGTTCCA[G>A]GATCACCTTCTTTTGCAGAATTTTCCACACCCATCACCAAAATATTTGCTGCATCTGTGA-3'
Protein context (NP_060379.2, residues 213-233): GVENSAKEGD[Pro223Leu]GTIFFFREGA